The following is an entry in ClinVar:

ClinVar aggregate classification (germline): Pathogenic (1 of 4 stars; one submission).

Conditions:
Duchenne muscular dystrophy (DMD). Also called: Duchenne Muscular Dystrophy (DMD); MUSCULAR DYSTROPHY, PSEUDOHYPERTROPHIC PROGRESSIVE, DUCHENNE TYPE. Identifiers: Orphanet 98896, MedGen C0013264, MONDO:0010679, OMIM 310200.

Submission:

Labcorp Genetics (formerly Invitae), Labcorp
Classification: Pathogenic for Duchenne muscular dystrophy. Last evaluated: 2022-09-23. Review status: criteria provided, single submitter. Criteria: Invitae Variant Classification Sherloc (09022015). Collection method: clinical testing. Allele origin: germline.
Comment: For these reasons, this variant has been classified as Pathogenic. A similar copy number variant has been observed in individuals with clinical features of DMD-related conditions (PMID: 1868831, 8149204). This variant results in a copy number gain of the genomic region encompassing exon(s) 20-41 of the DMD gene. While the exact position of this variant cannot be determined from the data, sub-genic copy number gains are generally in tandem (PMID: 25640679). This variant is predicted to be out-of-frame, and may result in an absent or disrupted protein product. Loss-of-function variants in DMD are known to be pathogenic (PMID: 16770791, 25007885).

Literature cited by the submitters: PubMed 1868831; PubMed 8149204; PubMed 25640679; PubMed 16770791; PubMed 25007885.

NC_000023.10:g.(?_32360197)_(32509655_?)dup

Gene: DMD (dystrophin; minus strand). Cytogenetic location: Xp21.1.
Variant type: Duplication.
Identifiers: ClinVar variation 2424961 (VCV002424961.5).